The following is an entry in ClinVar:

ClinVar aggregate classification (germline): Uncertain significance (1 of 4 stars; one submission).

Submission:

GeneDx
Classification: Uncertain significance. Last evaluated: 2023-03-24. Review status: criteria provided, single submitter. Criteria: GeneDx Variant Classification Process June 2021. Collection method: clinical testing. Allele origin: germline. Affected: yes.
Comment: Not observed at significant frequency in large population cohorts (gnomAD); In silico analysis is inconclusive as to whether the variant alters gene splicing. In the absence of RNA/functional studies, the actual effect of this sequence change is unknown.; Has not been previously published as pathogenic or benign to our knowledge

NM_001292063.2(OTOG):c.6934-20_6934-13delinsA

Gene: OTOG (otogelin; plus strand). Cytogenetic location: 11p15.1.
Variant type: Indel.
Coding change: c.6934-20_6934-13delinsA on transcript NM_001292063.2 (MANE Select); 20 bases into the intron before coding-DNA position 6934 through 13 bases into the intron before coding-DNA position 6934, TGCCTGAT replaced by A.
Molecular consequence: intron variant.
Genome position (GRCh38, 1-based): chr11:17,632,068-17,632,075, TGCCTGAT replaced by A. VCF-style: chr11-17632068-TGCCTGAT-A. GRCh37 (hg19) VCF-style: chr11-17653615-TGCCTGAT-A.
Other names: c.6970-20_6970-13delinsA (NM_001277269.2).
Identifiers: ClinVar variation 2580481 (VCV002580481.1), dbSNP rs2497607371, ClinGen allele CA2580618133.